The following is an entry in ClinVar:

ClinVar aggregate classification (germline): Uncertain significance. Review status: criteria provided, multiple submitters, no conflicts (2 of 4 stars). 2 submissions from 2 submitters: Uncertain significance (2). Last evaluated 2022-07-06.

Conditions:
MEGF8-related Carpenter syndrome. Also called: Carpenter syndrome 2. Identifiers: Orphanet 65759, MedGen C3554247, MONDO:0013998, OMIM 614976.

Allele frequency attached by ClinVar (database versions not stated): 1000 Genomes Project 30x 0.00016; 1000 Genomes Project 0.00020; ExAC 0.00033; ESP Exome Variant Server 0.00077.
gnomAD v4.1: 901 of 1,604,934 alleles (0.056%); highest among the groups gnomAD compares: Non-Finnish European, 0.073%; 2 homozygotes.

Submissions (2):

Labcorp Genetics (formerly Invitae), Labcorp
Classification: Uncertain significance for MEGF8-related Carpenter syndrome. Last evaluated: 2022-07-06. Review status: criteria provided, single submitter. Criteria: Invitae Variant Classification Sherloc (09022015). Collection method: clinical testing. Allele origin: germline.
Comment: This sequence change replaces leucine, which is neutral and non-polar, with methionine, which is neutral and non-polar, at codon 2529 of the MEGF8 protein (p.Leu2529Met). This variant is present in population databases (rs140517402, gnomAD 0.06%). This variant has not been reported in the literature in individuals affected with MEGF8-related conditions. ClinVar contains an entry for this variant (Variation ID: 1208751). Algorithms developed to predict the effect of missense changes on protein structure and function are either unavailable or do not agree on the potential impact of this missense change (SIFT: "Deleterious"; PolyPhen-2: "Probably Damaging"; Align-GVGD: "Class C0"). In summary, the available evidence is currently insufficient to determine the role of this variant in disease. Therefore, it has been classified as a Variant of Uncertain Significance.

GeneDx
Classification: Uncertain significance. Last evaluated: 2020-06-11. Review status: criteria provided, single submitter. Criteria: GeneDx Variant Classification Process June 2021. Collection method: clinical testing. Allele origin: germline. Affected: yes.
Comment: In silico analysis supports that this missense variant does not alter protein structure/function; Has not been previously published as pathogenic or benign to our knowledge

NM_001271938.2(MEGF8):c.7786C>A (p.Leu2596Met)

Gene: MEGF8 (multiple EGF like domains 8; plus strand). Cytogenetic location: 19q13.2.
Variant type: single nucleotide variant.
Coding change: c.7786C>A on transcript NM_001271938.2 (MANE Select); coding-DNA position 7786, C replaced by A.
Protein change: p.Leu2596Met; replaces leucine 2596 with methionine.
Molecular consequence: missense variant.
Genome position (GRCh38, 1-based): chr19:42,376,023, C>A. VCF-style: chr19-42376023-C-A. GRCh37 (hg19) VCF-style: chr19-42880175-C-A.
Other names: c.7585C>A, p.Leu2529Met (NM_001410.3); short protein forms L2529M, L2596M.
Identifiers: ClinVar variation 1208751 (VCV001208751.8), dbSNP rs140517402, ClinGen allele CA9476263.